The following is an entry in ClinVar:

NM_016239.4(MYO15A):c.6525_6532del (p.Tyr2175_Asn2178delinsTer)

Gene: MYO15A (myosin XVA; plus strand). Cytogenetic location: 17p11.2.
Variant type: Deletion.
Coding change: c.6525_6532del on transcript NM_016239.4 (MANE Select); coding-DNA positions 6525 to 6532, 8 bases deleted (TGGGCGGA; older notation c.6525_6532delTGGGCGGA).
Protein change: p.Tyr2175_Asn2178delinsTer.
Molecular consequence: nonsense.
Genome position (GRCh38, 1-based): chr17:18,148,044-18,148,051, TGGGCGGA deleted; deleting any 8 consecutive bases within chr17:18,148,043-18,148,051 gives the same sequence; the c. name uses the placement nearest the transcript's 3' end. VCF-style (leftmost placement, unchanged base first): chr17-18148042-TATGGGCGG-T. GRCh37 (hg19) VCF-style: chr17-18051356-TATGGGCGG-T.
Identifiers: ClinVar variation 2977181 (VCV002977181.3), dbSNP rs2046510028, ClinGen allele CA981988461.

ClinVar aggregate classification (germline): Pathogenic (1 of 4 stars; one submission).

Submission:

Labcorp Genetics (formerly Invitae), Labcorp
Classification: Pathogenic. Last evaluated: 2023-09-01. Review status: criteria provided, single submitter. Criteria: Invitae Variant Classification Sherloc (09022015). Collection method: clinical testing. Allele origin: germline.
Comment: This sequence change creates a premature translational stop signal (p.Tyr2175*) in the MYO15A gene. It is expected to result in an absent or disrupted protein product. Loss-of-function variants in MYO15A are known to be pathogenic (PMID: 17546645). This variant is not present in population databases (gnomAD no frequency). This variant has not been reported in the literature in individuals affected with MYO15A-related conditions. Algorithms developed to predict the effect of sequence changes on RNA splicing suggest that this variant may create or strengthen a splice site. For these reasons, this variant has been classified as Pathogenic.

Literature cited by the submitters: PubMed 17546645.